The following is an entry in ClinVar:

NM_004304.5(ALK):c.1817+11T>C

Gene: ALK (ALK receptor tyrosine kinase; minus strand). Cytogenetic location: 2p23.2.
Variant type: single nucleotide variant.
Coding change: c.1817+11T>C on transcript NM_004304.5 (MANE Select); 11 bases into the intron after coding-DNA position 1817, T replaced by C.
Molecular consequence: intron variant.
Genome position (GRCh38, 1-based): chr2:29,296,877, A>G on the plus strand (T>C on the coding strand, the complement: ALK is on the minus strand). VCF-style: chr2-29296877-A-G. GRCh37 (hg19) VCF-style: chr2-29519743-A-G.
Identifiers: ClinVar variation 508894 (VCV000508894.11), dbSNP rs185559774, ClinGen allele CA1594530.

ClinVar aggregate classification (germline): Benign/Likely benign. Review status: criteria provided, multiple submitters, no conflicts (2 of 4 stars). 4 submissions from 4 submitters: Benign (1); Likely benign (3). Last evaluated 2026-01-31.

Conditions:
Hereditary cancer-predisposing syndrome. Also called: Hereditary Cancer Syndrome; Tumor predisposition; Hereditary neoplastic syndrome; Neoplastic Syndromes, Hereditary. Identifiers: Orphanet 140162, MedGen C0027672, MeSH D009386, MONDO:0015356.
Neuroblastoma, susceptibility to, 3. Also called: ALK-Related Neuroblastic Tumor Susceptibility. Identifiers: Orphanet 635, MedGen C2751681, MONDO:0013083, OMIM 613014.

Allele frequency attached by ClinVar (database versions not stated): gnomAD exomes 0.00014 and 0.00035; ExAC 0.00047; gnomAD 0.00125 and 0.00139; 1000 Genomes Project 30x 0.00141; ESP Exome Variant Server 0.00215; TOPMed 0.00139; 1000 Genomes Project 0.00140.
gnomAD v4.1: 406 of 1,614,158 alleles (0.025%); highest among the groups gnomAD compares: African/African-American, 0.48%; no homozygotes.

Submissions (4):

Labcorp Genetics (formerly Invitae), Labcorp
Classification: Benign for Neuroblastoma, susceptibility to, 3. Last evaluated: 2026-01-31. Review status: criteria provided, single submitter. Criteria: Invitae Variant Classification Sherloc (09022015). Collection method: clinical testing. Allele origin: germline.

Blueprint Genetics
Classification: Likely benign. Last evaluated: 2023-01-05. Review status: criteria provided, single submitter. Criteria: ACMG Guidelines, 2015. Collection method: clinical testing. Allele origin: germline.

Sema4
Classification: Likely benign for Hereditary cancer-predisposing syndrome. Last evaluated: 2021-05-02. Review status: criteria provided, single submitter. Criteria: Sema4 Curation Guidelines. Collection method: curation. Allele origin: germline.

GeneDx
Classification: Likely benign. Last evaluated: 2017-05-17. Review status: criteria provided, single submitter. Criteria: GeneDx Variant Classification (06012015). Collection method: clinical testing. Allele origin: germline. Affected: yes.
Comment: This variant is considered likely benign or benign based on one or more of the following criteria: it is a conservative change, it occurs at a poorly conserved position in the protein, it is predicted to be benign by multiple in silico algorithms, and/or has population frequency not consistent with disease.